The following is an entry in ClinVar:

NM_001358921.2(COQ2):c.188TGG[3] (p.Val64_Asp65insVal)

Genes: COQ2 (coenzyme Q2, polyprenyltransferase; minus strand), LOC112997540 (Sharpr-MPRA regulatory region 13773; plus strand). Cytogenetic location: 4q21.23.
Variant type: Microsatellite.
Coding change: c.188TGG[3] on transcript NM_001358921.2 (MANE Select); three copies in a row of the 3-base unit TGG starting at c.188; the reference has two copies in a row; one copy, 3 bases duplicated.
Protein change: p.Val64_Asp65insVal.
Molecular consequence: inframe insertion.
Genome position (GRCh38, 1-based): chr4:83,284,572-83,284,574, CCA duplicated on the plus strand (TGG on the coding strand, the reverse complement: COQ2 is on the minus strand); duplicating any 3 consecutive bases within chr4:83,284,572-83,284,579 gives the same sequence; the position shown is the placement nearest the transcript's 3' end. VCF-style (leftmost placement, unchanged base first): chr4-83284571-T-TCCA. GRCh37 (hg19) VCF-style: chr4-84205724-T-TCCA.
Other names: c.338TGG[3], p.Val114_Asp115insVal (NM_015697.9).
Identifiers: ClinVar variation 1947201 (VCV001947201.2), dbSNP rs751748740, ClinGen allele CA2988661.

ClinVar aggregate classification (germline): Uncertain significance (1 of 4 stars; one submission).

Submission:

Labcorp Genetics (formerly Invitae), Labcorp
Classification: Uncertain significance. Last evaluated: 2022-07-27. Review status: criteria provided, single submitter. Criteria: Invitae Variant Classification Sherloc (09022015). Collection method: clinical testing. Allele origin: germline.
Comment: This variant, c.341_343dup, results in the insertion of 1 amino acid(s) of the COQ2 protein (p.Val114dup), but otherwise preserves the integrity of the reading frame. This variant is present in population databases (rs751748740, gnomAD 0.03%). This variant has not been reported in the literature in individuals affected with COQ2-related conditions. In summary, the available evidence is currently insufficient to determine the role of this variant in disease. Therefore, it has been classified as a Variant of Uncertain Significance.